The following is an entry in ClinVar:

ClinVar aggregate classification (germline): Uncertain significance. Review status: criteria provided, multiple submitters, no conflicts (2 of 4 stars). 4 submissions from 3 submitters: Uncertain significance (4). Last evaluated 2023-12-26.

Conditions:
Leigh syndrome (NULS). Also called: Leigh Disease; Subacute necrotizing encephalopathy; Leigh Syndrome (mtDNA deletion); Leigh's syndrome; Leigh's necrotizing encephalopathy; Leigh's disease. Identifiers: Orphanet 506, MedGen C2931891, MONDO:0009723, OMIM 256000.
Mitochondrial complex I deficiency, nuclear type 1. Also called: NADH-COENZYME Q REDUCTASE DEFICIENCY; MITOCHONDRIAL NADH DEHYDROGENASE COMPONENT OF COMPLEX I, DEFICIENCY OF. Identifiers: MedGen C6022305, MONDO:0100224, OMIM 252010.

Allele frequency attached by ClinVar (database versions not stated): gnomAD 0.00002 and 0.00006; TOPMed 0.00002; gnomAD exomes 0.00008 and 0.00014; ExAC 0.00014; 1000 Genomes Project 30x 0.00047; 1000 Genomes Project 0.00060.
gnomAD v4.1: 201 of 1,612,646 alleles (0.012%); highest among the groups gnomAD compares: East Asian, 0.45%; 2 homozygotes.

Submissions (6):

GeneDx
Classification: Uncertain significance. Last evaluated: 2023-12-26. Review status: criteria provided, single submitter. Criteria: GeneDx Variant Classification Process June 2021. Collection method: clinical testing. Allele origin: germline. Affected: yes.
Comment: In silico analysis supports that this variant does not alter splicing; Has not been previously published as pathogenic or benign to our knowledge

Fulgent Genetics
Classification: Uncertain significance for Mitochondrial complex I deficiency, nuclear type 1. Last evaluated: 2021-10-11. Review status: criteria provided, single submitter. Criteria: ACMG Guidelines, 2015. Collection method: clinical testing. Allele origin: unknown.

Illumina Laboratory Services, Illumina
Classification: Uncertain significance for Leigh syndrome. Last evaluated: 2018-01-13. Review status: criteria provided, single submitter. Criteria: ICSL Variant Classification Criteria 13 December 2019. Collection method: clinical testing. Allele origin: germline.

Illumina Laboratory Services, Illumina
Classification: Uncertain significance for Mitochondrial complex I deficiency, nuclear type 1. Last evaluated: 2018-01-13. Review status: criteria provided, single submitter. Criteria: ICSL Variant Classification Criteria 13 December 2019. Collection method: clinical testing. Allele origin: germline.

Dr. Peter K. Rogan Lab, Western University
No classification provided (evidence only). Condition: Ovarian serous cystadenocarcinoma. Review status: no classification provided. Collection method: in vitro. Allele origin: not applicable. Functional consequence: retained intron. Not counted in ClinVar's aggregate classification.

Dr. Peter K. Rogan Lab, Western University
No classification provided (evidence only). Condition: Hepatocellular carcinoma. Review status: no classification provided. Collection method: in vitro. Allele origin: not applicable. Functional consequence: retained intron. Not counted in ClinVar's aggregate classification.

NM_002495.4(NDUFS4):c.350+6T>C

Gene: NDUFS4 (NADH:ubiquinone oxidoreductase subunit S4; plus strand). Cytogenetic location: 5q11.2.
Variant type: single nucleotide variant.
Coding change: c.350+6T>C on transcript NM_002495.4 (MANE Select); 6 bases into the intron after coding-DNA position 350, T replaced by C.
Molecular consequence: intron variant.
Genome position (GRCh38, 1-based): chr5:53,646,411, T>C. VCF-style: chr5-53646411-T-C. GRCh37 (hg19) VCF-style: chr5-52942241-T-C.
Other names: NC_000005.9:g.52942241T>C; c.350+6T>C (NM_001318051.2).
Identifiers: ClinVar variation 903998 (VCV000903998.7), dbSNP rs3733833, ClinGen allele CA3264272.
Genomic context (GRCh38, chr5:53,646,411, plus strand): 5'-TGGAGTTTGATACCAGAGAGCGATGGGAAAATCCTTTGATGGGTTGGGCATCAACGTGAG[T>C]ACTTTATTTTAATGTGAATATTGTCAGCTATCTTTTTCTATGTAGATCTTTCTTCTAAAT-3'